The following is an entry in ClinVar:

NM_006929.5(SKIC2):c.790-2A>G

Gene: SKIC2 (SKI2 subunit of superkiller complex; plus strand). Cytogenetic location: 6p21.33.
Variant type: single nucleotide variant.
Coding change: c.790-2A>G on transcript NM_006929.5 (MANE Select); the canonical splice acceptor site of the intron before coding-DNA position 790, A replaced by G.
Molecular consequence: splice acceptor variant.
Genome position (GRCh38, 1-based): chr6:31,961,545, A>G. VCF-style: chr6-31961545-A-G. GRCh37 (hg19) VCF-style: chr6-31929322-A-G.
Identifiers: ClinVar variation 2858029 (VCV002858029.3), dbSNP rs2482907794, ClinGen allele CA363445427.
Genomic context (GRCh38, chr6:31,961,545, plus strand): 5'-AGGAGTGCTAATTGAGAGCCCTCTGGTTGTATCTTTATCACTGCTACCCCTGACTCTTCC[A>G]GGAAGCGTCCACAGCTGTATCCACCCCAGAGGCCCCAGAGCCTCCATCTCAGGAGCAGTG-3'

ClinVar aggregate classification (germline): Likely pathogenic (1 of 4 stars; one submission).

Submission:

Labcorp Genetics (formerly Invitae), Labcorp
Classification: Likely pathogenic. Last evaluated: 2023-04-20. Review status: criteria provided, single submitter. Criteria: Invitae Variant Classification Sherloc (09022015). Collection method: clinical testing. Allele origin: germline.
Comment: In summary, the currently available evidence indicates that the variant is pathogenic, but additional data are needed to prove that conclusively. Therefore, this variant has been classified as Likely Pathogenic. Algorithms developed to predict the effect of sequence changes on RNA splicing suggest that this variant may disrupt the consensus splice site. This variant has not been reported in the literature in individuals affected with SKIV2L-related conditions. This variant is not present in population databases (gnomAD no frequency). This sequence change affects an acceptor splice site in intron 8 of the SKIV2L gene. It is expected to disrupt RNA splicing. Variants that disrupt the donor or acceptor splice site typically lead to a loss of protein function (PMID: 16199547), and loss-of-function variants in SKIV2L are known to be pathogenic (PMID: 22444670).

Literature cited by the submitters: PubMed 16199547; PubMed 22444670.